The following is an entry in ClinVar:

ClinVar aggregate classification (germline): Benign/Likely benign. Review status: criteria provided, multiple submitters, no conflicts (2 of 4 stars). 9 submissions from 9 submitters: Benign (7); Likely benign (1). 1 of the submissions does not count toward it. Last evaluated 2026-05-04.

Conditions:
Plasma factor XI deficiency.
Hereditary factor XI deficiency disease. Also called: Congenital factor XI deficiency; PLASMA THROMBOPLASTIN ANTECEDENT DEFICIENCY; PTA DEFICIENCY; ROSENTHAL SYNDROME. Identifiers: Orphanet 329, MedGen C0015523, MeSH D005173, MONDO:0012897, OMIM 612416.

Allele frequency attached by ClinVar (database versions not stated): gnomAD exomes 0.03090 and 0.03251; ExAC 0.03519; gnomAD 0.06120 and 0.06445; 1000 Genomes Project 0.06290; TOPMed 0.06740; 1000 Genomes Project 30x 0.06746; ESP Exome Variant Server 0.06889.
gnomAD v4.1: 54,837 of 1,614,124 alleles (3.4%); highest among the groups gnomAD compares: African/African-American, 15%; 1,649 homozygotes.

Submissions (9):

Women's Health and Genetics/Laboratory Corporation of America, LabCorp
Classification: Benign. Last evaluated: 2026-05-04. Review status: criteria provided, single submitter. Criteria: LabCorp Variant Classification Summary - May 2015. Collection method: clinical testing. Allele origin: germline.

Labcorp Genetics (formerly Invitae), Labcorp
Classification: Benign. Last evaluated: 2026-02-04. Review status: criteria provided, single submitter. Criteria: Invitae Variant Classification Sherloc (09022015). Collection method: clinical testing. Allele origin: germline.

Blueprint Genetics
Classification: Likely benign. Last evaluated: 2024-11-26. Review status: criteria provided, single submitter. Criteria: ACMG Guidelines, 2015. Collection method: clinical testing. Allele origin: germline.

Mayo Clinic Laboratories, Mayo Clinic
Classification: Benign. Last evaluated: 2022-12-12. Review status: criteria provided, single submitter. Criteria: ACMG Guidelines, 2015. Collection method: clinical testing. Allele origin: germline. Observed: 25 variant alleles.
Comment: BS1, BS2, BP7

Laboratory for Molecular Medicine, Mass General Brigham Personalized Medicine
Classification: Benign. Last evaluated: 2020-07-03. Review status: criteria provided, single submitter. Criteria: LMM Criteria. Collection method: clinical testing. Allele origin: germline. Observed: 1 variant allele.
Comment: The p.Asp134Asp variant in F11 is classified as benign because it does not alter an amino acid residue, is not located within the splice consensus site, and computational splice prediction tools do not predict an impact on splicing. It has been identified in 15.2% (3789/24956) of African chromosomes by gnomAD. ACMG/AMP Criteria applied: BA1, BP4, BP7.

Illumina Laboratory Services, Illumina
Classification: Benign for Hereditary factor XI deficiency disease. Last evaluated: 2018-01-13. Review status: criteria provided, single submitter. Criteria: ICSL Variant Classification Criteria 13 December 2019. Collection method: clinical testing. Allele origin: germline.
Comment: This variant was observed in the ICSL laboratory as part of a predisposition screen in an ostensibly healthy population. It had not been previously curated by ICSL or reported in the Human Gene Mutation Database (HGMD: prior to June 1st, 2018), and was therefore a candidate for classification through an automated scoring system. Utilizing variant allele frequency, disease prevalence and penetrance estimates, and inheritance mode, an automated score was calculated to assess if this variant is too frequent to cause the disease. Based on the score and internal cut-off values, a variant classified as benign is not then subjected to further curation. The score for this variant resulted in a classification of benign for this disease.

Breakthrough Genomics
Classification: Benign. Review status: criteria provided, single submitter. Criteria: ACMG Guidelines, 2015. Collection method: not provided. Allele origin: germline. Inheritance: Unknown mechanism. Affected: yes.

PreventionGenetics, part of Exact Sciences
Classification: Benign. Review status: criteria provided, single submitter. Criteria: ACMG Guidelines, 2015. Collection method: clinical testing. Allele origin: germline.

Natera, Inc.
Classification: Benign for Plasma factor XI deficiency. Last evaluated: 2019-11-22. Review status: no assertion criteria provided. Collection method: clinical testing. Allele origin: germline. Not counted in ClinVar's aggregate classification.

NM_000128.4(F11):c.429C>T (p.Asp143=)

Gene: F11 (coagulation factor XI; plus strand). Cytogenetic location: 4q35.2.
Variant type: single nucleotide variant.
Coding change: c.429C>T on transcript NM_000128.4 (MANE Select); coding-DNA position 429, C replaced by T.
Protein change: p.Asp143=; no amino-acid change (aspartic acid 143 retained).
Molecular consequence: synonymous variant.
Genome position (GRCh38, 1-based): chr4:186,274,219, C>T. VCF-style: chr4-186274219-C-T. GRCh37 (hg19) VCF-style: chr4-187195373-C-T.
Other names: p.Asp143=; c.429C>T, p.Asp143= (NM_001354804.2).
Identifiers: ClinVar variation 255180 (VCV000255180.23), dbSNP rs5973, ClinGen allele CA3163654.